The following is an entry in ClinVar:

ClinVar aggregate classification (germline): Uncertain significance (1 of 4 stars; one submission).

Allele frequency attached by ClinVar (database versions not stated): gnomAD exomes below 0.00001.
gnomAD v4.1: 4 of 1,613,994 alleles (0.00025%); highest among the groups gnomAD compares: East Asian, 0.0022%; no homozygotes.

Submission:

GeneDx
Classification: Uncertain significance. Last evaluated: 2020-02-10. Review status: criteria provided, single submitter. Criteria: GeneDx Variant Classification Process June 2021. Collection method: clinical testing. Allele origin: germline. Affected: yes.
Comment: Not observed in large population cohorts (Lek et al., 2016); In silico analysis supports that this missense variant has a deleterious effect on protein structure/function; Has not been previously published as pathogenic or benign to our knowledge

NM_170682.4(P2RX2):c.920A>G (p.Tyr307Cys)

Gene: P2RX2 (purinergic receptor P2X 2; plus strand). Cytogenetic location: 12q24.33.
Variant type: single nucleotide variant.
Coding change: c.920A>G on transcript NM_170682.4 (MANE Select); coding-DNA position 920, A replaced by G.
Protein change: p.Tyr307Cys; replaces tyrosine 307 with cysteine.
Molecular consequence: missense variant.
Genome position (GRCh38, 1-based): chr12:132,621,269, A>G. VCF-style: chr12-132621269-A-G. GRCh37 (hg19) VCF-style: chr12-133197855-A-G.
Other names: c.818A>G, p.Tyr273Cys (NM_001282164.2); c.920A>G, p.Tyr307Cys (NM_001282165.2, NM_170683.4, NM_174873.3); c.704A>G, p.Tyr235Cys (NM_012226.5); c.848A>G, p.Tyr283Cys (NM_016318.4); c.644A>G, p.Tyr215Cys (NM_174872.3); short protein forms Y215C, Y235C, Y273C, Y283C, Y307C.
Identifiers: ClinVar variation 1311539 (VCV001311539.2), dbSNP rs2138389434, ClinGen allele CA387361391.
Genomic context (GRCh38, chr12:132,621,269, plus strand): 5'-GCCCTGGAGTGCAGAGGACGAGTGGGCACTGGCGTTCCCATTGCAGGTTTGCCAAATACT[A>G]CAAGATCAATGGCACCACCACCCGCACGCTCATCAAGGCCTACGGGATCCGCATTGACGT-3'
Protein context (NP_733782.1, residues 297-317): SGYNFRFAKY[Tyr307Cys]KINGTTTRTL